The following is an entry in ClinVar:

NM_020435.4(GJC2):c.346C>A (p.Arg116Ser)

Gene: GJC2 (gap junction protein gamma 2; plus strand). Cytogenetic location: 1q42.13.
Variant type: single nucleotide variant.
Coding change: c.346C>A on transcript NM_020435.4 (MANE Select); coding-DNA position 346, C replaced by A.
Protein change: p.Arg116Ser; replaces arginine 116 with serine.
Molecular consequence: missense variant.
Genome position (GRCh38, 1-based): chr1:228,158,104, C>A. VCF-style: chr1-228158104-C-A. GRCh37 (hg19) VCF-style: chr1-228345805-C-A.
Other names: short protein forms R116S.
Identifiers: ClinVar variation 3657556 (VCV003657556.2).

ClinVar aggregate classification (germline): Uncertain significance (1 of 4 stars; one submission).

Conditions:
Spastic paraplegia. Identifiers: MedGen C0037772, HP:0001258.

Submission:

Labcorp Genetics (formerly Invitae), Labcorp
Classification: Uncertain significance for Spastic paraplegia. Last evaluated: 2024-06-29. Review status: criteria provided, single submitter. Criteria: Invitae Variant Classification Sherloc (09022015). Collection method: clinical testing. Allele origin: germline.
Comment: This sequence change replaces arginine, which is basic and polar, with serine, which is neutral and polar, at codon 116 of the GJC2 protein (p.Arg116Ser). This variant is not present in population databases (gnomAD no frequency). This variant has not been reported in the literature in individuals affected with GJC2-related conditions. Advanced modeling of protein sequence and biophysical properties (such as structural, functional, and spatial information, amino acid conservation, physicochemical variation, residue mobility, and thermodynamic stability) has been performed at Invitae for this missense variant, however the output from this modeling did not meet the statistical confidence thresholds required to predict the impact of this variant on GJC2 protein function. In summary, the available evidence is currently insufficient to determine the role of this variant in disease. Therefore, it has been classified as a Variant of Uncertain Significance.